The following is an entry in ClinVar:

NM_000264.5(PTCH1):c.4289T>C (p.Ile1430Thr)

Gene: PTCH1 (patched 1; minus strand). Cytogenetic location: 9q22.32.
Variant type: single nucleotide variant.
Coding change: c.4289T>C on transcript NM_000264.5 (MANE Select); coding-DNA position 4289, T replaced by C.
Protein change: p.Ile1430Thr; replaces isoleucine 1430 with threonine.
Molecular consequence: missense variant. On other transcripts: non-coding transcript variant (1).
Genome position (GRCh38, 1-based): chr9:95,446,967, A>G on the plus strand (T>C on the coding strand, the complement: PTCH1 is on the minus strand). VCF-style: chr9-95446967-A-G. GRCh37 (hg19) VCF-style: chr9-98209249-A-G.
Other names: c.4091T>C, p.Ile1364Thr (NM_001083602.3); c.4286T>C, p.Ile1429Thr (NM_001083603.3); c.3836T>C, p.Ile1279Thr (NM_001083604.3, NM_001083605.3, NM_001083606.3 and 1 more transcripts); c.4133T>C, p.Ile1378Thr (NM_001354918.2); short protein forms I1364T, I1430T, I1378T, I1279T, I1429T.
Identifiers: ClinVar variation 524577 (VCV000524577.11), dbSNP rs556722778, ClinGen allele CA5137906.

ClinVar aggregate classification (germline): Uncertain significance. Review status: criteria provided, multiple submitters, no conflicts (2 of 4 stars). 2 submissions from 2 submitters: Uncertain significance (2). Last evaluated 2025-11-11.

Conditions:
Hereditary cancer-predisposing syndrome. Also called: Neoplastic Syndromes, Hereditary; Tumor predisposition; Hereditary neoplastic syndrome; Hereditary Cancer Syndrome. Identifiers: Orphanet 140162, MedGen C0027672, MeSH D009386, MONDO:0015356.
Gorlin syndrome. Also called: Basal cell nevus syndrome; Nevoid Basal Cell Carcinoma Syndrome. Identifiers: Orphanet 377, MedGen C0004779, MONDO:0007187.

Allele frequency attached by ClinVar (database versions not stated): ExAC 0.00001; gnomAD 0.00001; gnomAD exomes 0.00001; TOPMed 0.00002; 1000 Genomes Project 0.00020; 1000 Genomes Project 30x 0.00031.
gnomAD v4.1: 17 of 1,614,188 alleles (0.0011%); highest among the groups gnomAD compares: Admixed American, 0.0017%; 1 homozygote.

Submissions (2):

Ambry Genetics
Classification: Uncertain significance for Hereditary cancer-predisposing syndrome. Last evaluated: 2025-11-11. Review status: criteria provided, single submitter. Criteria: Ambry Variant Classification Scheme 2023. Collection method: clinical testing. Allele origin: germline.
Comment: The p.I1430T variant (also known as c.4289T>C), located in coding exon 23 of the PTCH1 gene, results from a T to C substitution at nucleotide position 4289. The isoleucine at codon 1430 is replaced by threonine, an amino acid with similar properties. This amino acid position is highly conserved through mammals but not in all available vertebrate species. In addition, the in silico prediction for this alteration is inconclusive. Since supporting evidence is limited at this time, the clinical significance of this alteration remains unclear.

Labcorp Genetics (formerly Invitae), Labcorp
Classification: Uncertain significance for Gorlin syndrome. Last evaluated: 2025-11-05. Review status: criteria provided, single submitter. Criteria: Invitae Variant Classification Sherloc (09022015). Collection method: clinical testing. Allele origin: germline.
Comment: This sequence change replaces isoleucine, which is neutral and non-polar, with threonine, which is neutral and polar, at codon 1430 of the PTCH1 protein (p.Ile1430Thr). This variant is present in population databases (rs556722778, gnomAD 0.007%). This variant has not been reported in the literature in individuals affected with PTCH1-related conditions. ClinVar contains an entry for this variant (Variation ID: 524577). Invitae Evidence Modeling of protein sequence and biophysical properties (such as structural, functional, and spatial information, amino acid conservation, physicochemical variation, residue mobility, and thermodynamic stability) indicates that this missense variant is not expected to disrupt PTCH1 protein function with a negative predictive value of 95%. In summary, the available evidence is currently insufficient to determine the role of this variant in disease. Therefore, it has been classified as a Variant of Uncertain Significance.